The following is an entry in ClinVar:

ClinVar aggregate classification (germline): Likely benign. Review status: criteria provided, multiple submitters, no conflicts (2 of 4 stars). 2 submissions from 2 submitters: Likely benign (2). Last evaluated 2025-12-13.

Conditions:
Early-infantile DEE. Also called: Early infantile epileptic encephalopathy; Ohtahara syndrome; Early infantile epileptic encephalopathy with suppression bursts. Identifiers: Orphanet 1934, MedGen C0393706, MONDO:0800491.

Allele frequency attached by ClinVar (database versions not stated): gnomAD exomes below 0.00001; TOPMed below 0.00001.
gnomAD v4.1: 11 of 1,612,450 alleles (0.00068%); highest among the groups gnomAD compares: African/African-American, 0.0027%; no homozygotes.

Submissions (2):

Labcorp Genetics (formerly Invitae), Labcorp
Classification: Likely benign for Early-infantile DEE. Last evaluated: 2025-12-13. Review status: criteria provided, single submitter. Criteria: Invitae Variant Classification Sherloc (09022015). Collection method: clinical testing. Allele origin: germline.

GeneDx
Classification: Likely benign. Last evaluated: 2017-08-28. Review status: criteria provided, single submitter. Criteria: GeneDx Variant Classification (06012015). Collection method: clinical testing. Allele origin: germline. Affected: yes.
Comment: This variant is considered likely benign or benign based on one or more of the following criteria: it is a conservative change, it occurs at a poorly conserved position in the protein, it is predicted to be benign by multiple in silico algorithms, and/or has population frequency not consistent with disease.

NM_001191061.2(SLC25A22):c.587+19G>A

Gene: SLC25A22 (solute carrier family 25 member 22; minus strand). Cytogenetic location: 11p15.5.
Variant type: single nucleotide variant.
Coding change: c.587+19G>A on transcript NM_001191061.2 (MANE Select); 19 bases into the intron after coding-DNA position 587, G replaced by A.
Molecular consequence: intron variant.
Genome position (GRCh38, 1-based): chr11:792,534, C>T on the plus strand (G>A on the coding strand, the complement: SLC25A22 is on the minus strand). VCF-style: chr11-792534-C-T. GRCh37 (hg19) VCF-style: chr11-792534-C-T.
Other names: c.587+19G>A (NM_001191060.2, NM_024698.6).
Identifiers: ClinVar variation 378593 (VCV000378593.5), dbSNP rs1057520368, ClinGen allele CA16606432.
Genomic context (GRCh38, chr11:792,534, plus strand): 5'-TGGCCGTGGGGACAGGAGGTGGTGGGGTGGGCAGGCCGGCCTCCCCCTTCCCTCCCCCCA[C>T]CTGCCCTGTGCCTCCTACCTGAGCAGCGTGGCCCCGAGTCCCTTGTAGAGACCGGCAATG-3'